The following is an entry in ClinVar:

ClinVar aggregate classification (germline): Likely benign. Review status: criteria provided, multiple submitters, no conflicts (2 of 4 stars). 2 submissions from 2 submitters: Likely benign (2). Last evaluated 2025-06-22.

Conditions:
Arrhythmogenic right ventricular cardiomyopathy (ARVD). Also called: Cardiomyopathy, ARVC; Arrhythmogenic right ventricular dysplasia; Arrhythmogenic cardiomyopathy; Arrhythmogenic Right Ventricular Cardiomyopathy (ARVC). Identifiers: Orphanet 247, MedGen C0349788, MeSH D019571, MONDO:0016587. Disease mechanism: loss of function. Inheritance: Various modes of inheritance.
Arrhythmogenic right ventricular dysplasia 9 (ARVD9). Also called: Arrhythmogenic Right Ventricular Dysplasia/Cardiomyopathy 9; ARRHYTHMOGENIC RIGHT VENTRICULAR DYSPLASIA, FAMILIAL, 9. Identifiers: MedGen C1836906, MONDO:0012180, OMIM 609040.

Allele frequency attached by ClinVar (database versions not stated): gnomAD exomes below 0.00001 and 0.00001; ExAC 0.00002.
gnomAD v4.1: 1 of 1,613,066 alleles (0.000062%); highest among the groups gnomAD compares: Non-Finnish European, 0.000085%; no homozygotes.

Submissions (2):

Labcorp Genetics (formerly Invitae), Labcorp
Classification: Likely benign for Arrhythmogenic right ventricular dysplasia 9. Last evaluated: 2025-06-22. Review status: criteria provided, single submitter. Criteria: Invitae Variant Classification Sherloc (09022015). Collection method: clinical testing. Allele origin: germline.

All of Us Research Program, National Institutes of Health
Classification: Likely benign for Arrhythmogenic right ventricular cardiomyopathy. Last evaluated: 2023-05-04. Review status: criteria provided, single submitter. Criteria: ACMG Guidelines, 2015. Collection method: clinical testing. Allele origin: germline. Inheritance: Autosomal dominant inheritance. Observed: 1 variant allele, 1 heterozygote.
Comment: This study involves interpretation of variants in research participants for the purpose of population health screening. Participant phenotype was not available at the time of variant classification. Additional details can be found in publication PMID: 35346344, PMCID: PMC8962531

NM_001005242.3(PKP2):c.2502C>T (p.Ser834=)

Gene: PKP2 (plakophilin 2; minus strand). Cytogenetic location: 12p11.21.
Variant type: single nucleotide variant.
Coding change: c.2502C>T on transcript NM_001005242.3 (MANE Select); coding-DNA position 2502, C replaced by T.
Protein change: p.Ser834=; no amino-acid change (serine 834 retained).
Molecular consequence: synonymous variant.
Genome position (GRCh38, 1-based): chr12:32,792,436, G>A on the plus strand (C>T on the coding strand, the complement: PKP2 is on the minus strand). VCF-style: chr12-32792436-G-A. GRCh37 (hg19) VCF-style: chr12-32945370-G-A.
Other names: c.2634C>T, p.Ser878= (NM_004572.4).
Identifiers: ClinVar variation 1657133 (VCV001657133.9), dbSNP rs763095604, ClinGen allele CA036386.